The following is an entry in ClinVar:

NM_006206.6(PDGFRA):c.1347A>G (p.Ile449Met)

Gene: PDGFRA (platelet derived growth factor receptor alpha; plus strand). Cytogenetic location: 4q12.
Variant type: single nucleotide variant.
Coding change: c.1347A>G on transcript NM_006206.6 (MANE Select); coding-DNA position 1347, A replaced by G.
Protein change: p.Ile449Met; replaces isoleucine 449 with methionine.
Molecular consequence: missense variant.
Genome position (GRCh38, 1-based): chr4:54,272,503, A>G. VCF-style: chr4-54272503-A-G. GRCh37 (hg19) VCF-style: chr4-55138670-A-G.
Other names: c.1347A>G, p.Ile449Met (NM_001347827.2, NM_001347829.2); c.1422A>G, p.Ile474Met (NM_001347828.2); c.1386A>G, p.Ile462Met (NM_001347830.2); c.1347A>G (NM_006206.5); short protein forms I449M, I462M, I474M.
Identifiers: ClinVar variation 407390 (VCV000407390.15), dbSNP rs775373016, ClinGen allele CA2922525.
Genomic context (GRCh38, chr4:54,272,503, plus strand): 5'-GGGACAGACGGTGAGGTGCACAGCTGAAGGCACGCCGCTTCCTGATATTGAGTGGATGAT[A>G]TGCAAAGATATTAAGAAGTATGGAAAACAGATGTGTCTTCTTCTTTCGTGGTCAGAATAT-3'
Protein context (NP_006197.1, residues 439-459): GTPLPDIEWM[Ile449Met]CKDIKKCNNE

ClinVar aggregate classification (germline): Conflicting classifications of pathogenicity. Review status: criteria provided, conflicting classifications (1 of 4 stars). 4 submissions from 4 submitters: Uncertain significance (2); Benign (1); Likely benign (1). Last evaluated 2026-07-16.

Conditions:
PDGFRA-related disorder. Also called: PDGFRA-related condition.
Polyps, multiple and recurrent inflammatory fibroid, gastrointestinal. Identifiers: MedGen C5193005, MONDO:0008285, OMIM 175510.
Hereditary cancer-predisposing syndrome. Also called: Neoplastic Syndromes, Hereditary; Tumor predisposition; Hereditary Cancer Syndrome; Hereditary neoplastic syndrome. Identifiers: Orphanet 140162, MedGen C0027672, MeSH D009386, MONDO:0015356.
Gastrointestinal stromal tumor. Also called: Gastrointestinal stroma tumor; Gastrointestinal stromal tumor, somatic. Identifiers: Orphanet 44890, MedGen C0238198, MeSH D046152, MONDO:0011719, OMIM 606764, HP:0100723.

Allele frequency attached by ClinVar (database versions not stated): ExAC 0.00002; gnomAD exomes 0.00003 and 0.00005; gnomAD 0.00004 and 0.00005; TOPMed 0.00005.
gnomAD v4.1: 57 of 1,614,058 alleles (0.0035%); highest among the groups gnomAD compares: Middle Eastern, 0.033%; no homozygotes.

Submissions (4):

PreventionGenetics, part of Exact Sciences
Classification: Uncertain significance for PDGFRA-related condition. Last evaluated: 2026-07-16. Review status: criteria provided, single submitter. Criteria: ACMG Guidelines, 2015. Collection method: clinical testing. Allele origin: germline.
Comment: The PDGFRA c.1347A>G variant is predicted to result in the amino acid substitution p.Ile449Met. To our knowledge, this variant has not been reported in the literature. This variant is reported in 0.0088% of alleles in individuals of European (Non-Finnish) descent in gnomAD and has conflicting interpretations in ClinVar ranging from uncertain to likely benign (Variation ID: 407390). At this time, the clinical significance of this variant is uncertain due to the absence of conclusive functional and genetic evidence.

Myriad Genetics, Inc.
Classification: Likely benign for Polyps, multiple and recurrent inflammatory fibroid, gastrointestinal. Last evaluated: 2026-06-12. Review status: criteria provided, single submitter. Criteria: Myriad Autosomal Dominant, Autosomal Recessive and X-Linked Classification Criteria (2023). Collection method: clinical testing. Allele origin: unknown.
Comment: This variant is considered likely benign. This variant has been observed at a population frequency that is significantly greater than expected given the associated disease prevalence and penetrance.

Labcorp Genetics (formerly Invitae), Labcorp
Classification: Uncertain significance for Gastrointestinal stromal tumor. Last evaluated: 2025-12-13. Review status: criteria provided, single submitter. Criteria: Invitae Variant Classification Sherloc (09022015). Collection method: clinical testing. Allele origin: germline.
Comment: This sequence change replaces isoleucine, which is neutral and non-polar, with methionine, which is neutral and non-polar, at codon 449 of the PDGFRA protein (p.Ile449Met). This variant is present in population databases (rs775373016, gnomAD 0.009%). This variant has not been reported in the literature in individuals affected with PDGFRA-related conditions. ClinVar contains an entry for this variant (Variation ID: 407390). Invitae Evidence Modeling of protein sequence and biophysical properties (such as structural, functional, and spatial information, amino acid conservation, physicochemical variation, residue mobility, and thermodynamic stability) indicates that this missense variant is not expected to disrupt PDGFRA protein function with a negative predictive value of 80%. In summary, the available evidence is currently insufficient to determine the role of this variant in disease. Therefore, it has been classified as a Variant of Uncertain Significance.

Ambry Genetics
Classification: Benign for Hereditary cancer-predisposing syndrome. Last evaluated: 2024-10-02. Review status: criteria provided, single submitter. Criteria: Ambry Variant Classification Scheme 2023. Collection method: clinical testing. Allele origin: germline.